The following is an entry in ClinVar:

ClinVar aggregate classification (germline): Pathogenic/Likely pathogenic. Review status: criteria provided, multiple submitters, no conflicts (2 of 4 stars). 2 submissions from 2 submitters: Pathogenic (1); Likely pathogenic (1). Last evaluated 2023-02-08.

Conditions:
Cortical dysplasia-focal epilepsy syndrome (PTHSL1). Also called: Pitt-Hopkins-like syndrome 1. Identifiers: Orphanet 163681, Orphanet 221150, MedGen C2750246, MONDO:0012400, OMIM 610042.

Allele frequency attached by ClinVar (database versions not stated): gnomAD exomes below 0.00001.
gnomAD v4.1: 1 of 1,614,166 alleles (0.000062%); highest among the groups gnomAD compares: East Asian, 0.0022%; no homozygotes.

Submissions (2):

St. Anna Children's Cancer Research Institute (CCRI)
Classification: Pathogenic for Cortical dysplasia-focal epilepsy syndrome. Last evaluated: 2023-02-08. Review status: criteria provided, single submitter. Criteria: ACMG Guidelines, 2015. Collection method: research. Allele origin: maternal. Inheritance: Autosomal recessive inheritance. Affected: yes. Observed: 1 compound heterozygote.
Comment: Variant one AGMC classification: PVS1, PM2, PM3

CeGaT Center for Human Genetics Tuebingen
Classification: Likely pathogenic. Last evaluated: 2016-06-01. Review status: criteria provided, single submitter. Criteria: CeGaT Center For Human Genetics Tuebingen Variant Classification Criteria Version 2. Collection method: clinical testing. Allele origin: germline. Affected: yes. Observed: 1 variant allele.

NM_014141.6(CNTNAP2):c.252G>A (p.Trp84Ter)

Gene: CNTNAP2 (contactin associated protein 2; plus strand). Cytogenetic location: 7q35.
Variant type: single nucleotide variant.
Coding change: c.252G>A on transcript NM_014141.6 (MANE Select); coding-DNA position 252, G replaced by A.
Protein change: p.Trp84Ter; replaces tryptophan 84 with a stop codon.
Molecular consequence: nonsense.
Genome position (GRCh38, 1-based): chr7:146,839,754, G>A. VCF-style: chr7-146839754-G-A. GRCh37 (hg19) VCF-style: chr7-146536846-G-A.
Other names: short protein forms W84*.
Identifiers: ClinVar variation 76757 (VCV000076757.46), dbSNP rs267601384, ClinGen allele CA168652896.